The following is an entry in ClinVar:

ClinVar aggregate classification (germline): Uncertain significance (1 of 4 stars; one submission).

Submission:

Ambry Genetics
Classification: Uncertain significance. Last evaluated: 2024-03-09. Review status: criteria provided, single submitter. Criteria: Ambry Variant Classification Scheme 2023. Collection method: clinical testing. Allele origin: germline.
Comment: The p.A612T variant (also known as c.1834G>A), located in coding exon 3 of the ALPK2 gene, results from a G to A substitution at nucleotide position 1834. The alanine at codon 612 is replaced by threonine, an amino acid with similar properties. This amino acid position is conserved. In addition, this alteration is predicted to be tolerated by in silico analysis. Based on the available evidence, the clinical significance of this alteration remains unclear.

NM_052947.4(ALPK2):c.1834G>A (p.Ala612Thr)

Gene: ALPK2 (alpha kinase 2; minus strand). Cytogenetic location: 18q21.31.
Variant type: single nucleotide variant.
Coding change: c.1834G>A on transcript NM_052947.4 (MANE Select); coding-DNA position 1834, G replaced by A.
Protein change: p.Ala612Thr; replaces alanine 612 with threonine.
Molecular consequence: missense variant.
Genome position (GRCh38, 1-based): chr18:58,578,942, C>T on the plus strand (G>A on the coding strand, the complement: ALPK2 is on the minus strand). VCF-style: chr18-58578942-C-T. GRCh37 (hg19) VCF-style: chr18-56246174-C-T.
Other names: short protein forms A612T.
Identifiers: ClinVar variation 3228591 (VCV003228591.1), dbSNP rs2518898530, ClinGen allele CA402559896.